The following is an entry in ClinVar:

ClinVar aggregate classification (germline): Pathogenic (1 of 4 stars; one submission).

Submission:

GeneDx
Classification: Pathogenic. Last evaluated: 2021-03-29. Review status: criteria provided, single submitter. Criteria: GeneDx Variant Classification Process June 2021. Collection method: clinical testing. Allele origin: germline. Affected: yes.
Comment: Canonical splice site variant predicted to result in a null allele in a gene for which loss-of-function is a known mechanism of disease; Not observed in large population cohorts (Lek et al., 2016); Has not been previously published as pathogenic or benign to our knowledge

NM_001368894.2(PAX6):c.808-1G>T

Gene: PAX6 (paired box 6; minus strand). Cytogenetic location: 11p13.
Variant type: single nucleotide variant.
Coding change: c.808-1G>T on transcript NM_001368894.2 (MANE Select); the canonical splice acceptor site of the intron before coding-DNA position 808, G replaced by T.
Molecular consequence: splice acceptor variant.
Genome position (GRCh38, 1-based): chr11:31,793,803, C>A on the plus strand (G>T on the coding strand, the complement: PAX6 is on the minus strand). VCF-style: chr11-31793803-C-A. GRCh37 (hg19) VCF-style: chr11-31815351-C-A.
Other names: c.808-1G>T (NM_001258463.2, NM_001368914.2, NM_001604.6 and 6 more transcripts); c.766-1G>T (NM_001368917.2, NM_000280.6, NM_001368916.2 and 10 more transcripts); c.607-1G>T (NM_001368927.2, NM_001368922.2, NM_001368926.2 and 4 more transcripts); c.1009-1G>T (NM_001368910.2); c.358-1G>T (NM_001368909.2, NM_001368904.2, NM_001368903.2 and 11 more transcripts); c.811-1G>T (NM_001368911.2); c.565-1G>T (NM_001368928.2); c.883-1G>T (NM_001368919.2, NM_001368918.2); and 2 more.
Identifiers: ClinVar variation 1183523 (VCV001183523.3), dbSNP rs1592416538, ClinGen allele CA379956587.